The following is an entry in ClinVar:

ClinVar aggregate classification (germline): Uncertain significance. Review status: criteria provided, multiple submitters, no conflicts (2 of 4 stars). 2 submissions from 2 submitters: Uncertain significance (2). Last evaluated 2024-04-02.

Conditions:
Cardiovascular phenotype. Identifiers: MedGen CN230736.
Hereditary cancer-predisposing syndrome. Also called: Neoplastic Syndromes, Hereditary; Tumor predisposition; Hereditary Cancer Syndrome; Hereditary neoplastic syndrome. Identifiers: Orphanet 140162, MedGen C0027672, MeSH D009386, MONDO:0015356.

Allele frequency attached by ClinVar (database versions not stated): gnomAD exomes below 0.00001; ExAC 0.00001; gnomAD 0.00001.
gnomAD v4.1: 3 of 1,613,956 alleles (0.00019%); highest among the groups gnomAD compares: African/African-American, 0.0013%; no homozygotes.

Submissions (2):

Labcorp Genetics (formerly Invitae), Labcorp
Classification: Uncertain significance. Last evaluated: 2024-04-02. Review status: criteria provided, single submitter. Criteria: Invitae Variant Classification Sherloc (09022015). Collection method: clinical testing. Allele origin: germline.
Comment: This sequence change replaces alanine, which is neutral and non-polar, with valine, which is neutral and non-polar, at codon 219 of the LZTR1 protein (p.Ala219Val). This variant is present in population databases (rs775735290, gnomAD 0.0009%). This variant has not been reported in the literature in individuals affected with LZTR1-related conditions. ClinVar contains an entry for this variant (Variation ID: 1754228). Advanced modeling of protein sequence and biophysical properties (such as structural, functional, and spatial information, amino acid conservation, physicochemical variation, residue mobility, and thermodynamic stability) performed at Invitae indicates that this missense variant is not expected to disrupt LZTR1 protein function with a negative predictive value of 80%. In summary, the available evidence is currently insufficient to determine the role of this variant in disease. Therefore, it has been classified as a Variant of Uncertain Significance.

Ambry Genetics
Classification: Uncertain significance for Cardiovascular phenotype; Hereditary cancer-predisposing syndrome. Last evaluated: 2022-04-26. Review status: criteria provided, single submitter. Criteria: Ambry Variant Classification Scheme 2023. Collection method: clinical testing. Allele origin: germline.
Comment: The p.A219V variant (also known as c.656C>T), located in coding exon 8 of the LZTR1 gene, results from a C to T substitution at nucleotide position 656. The alanine at codon 219 is replaced by valine, an amino acid with similar properties. This amino acid position is conserved. In addition, this alteration is predicted to be tolerated by in silico analysis. Since supporting evidence is limited at this time, the clinical significance of this alteration remains unclear.

NM_006767.4(LZTR1):c.656C>T (p.Ala219Val)

Gene: LZTR1 (leucine zipper like post translational regulator 1; plus strand). Cytogenetic location: 22q11.21.
Variant type: single nucleotide variant.
Coding change: c.656C>T on transcript NM_006767.4 (MANE Select); coding-DNA position 656, C replaced by T.
Protein change: p.Ala219Val; replaces alanine 219 with valine.
Molecular consequence: missense variant.
Genome position (GRCh38, 1-based): chr22:20,990,390, C>T. VCF-style: chr22-20990390-C-T. GRCh37 (hg19) VCF-style: chr22-21344679-C-T.
Other names: short protein forms A219V.
Identifiers: ClinVar variation 1754228 (VCV001754228.4), dbSNP rs775735290, ClinGen allele CA10118583.